The following is an entry in ClinVar:

ClinVar aggregate classification (germline): Pathogenic (1 of 4 stars; one submission).

Submission:

Labcorp Genetics (formerly Invitae), Labcorp
Classification: Pathogenic. Last evaluated: 2023-05-23. Review status: criteria provided, single submitter. Criteria: Invitae Variant Classification Sherloc (09022015). Collection method: clinical testing. Allele origin: germline.
Comment: For these reasons, this variant has been classified as Pathogenic. This variant has not been reported in the literature in individuals affected with NSMCE2-related conditions. This variant is not present in population databases (gnomAD no frequency). This sequence change creates a premature translational stop signal (p.Ser7*) in the NSMCE2 gene. It is expected to result in an absent or disrupted protein product. Loss-of-function variants in NSMCE2 are known to be pathogenic (PMID: 25105364, 26443207).

Literature cited by the submitters: PubMed 25105364; PubMed 26443207.

NM_173685.4(NSMCE2):c.20C>G (p.Ser7Ter)

Gene: NSMCE2 (NSE2 SUMO ligase component of SMC5/6 complex; plus strand). Cytogenetic location: 8q24.13.
Variant type: single nucleotide variant.
Coding change: c.20C>G on transcript NM_173685.4 (MANE Select); coding-DNA position 20, C replaced by G.
Protein change: p.Ser7Ter; replaces serine 7 with a stop codon.
Molecular consequence: nonsense. On other transcripts: non-coding transcript variant (2).
Genome position (GRCh38, 1-based): chr8:125,102,350, C>G. VCF-style: chr8-125102350-C-G. GRCh37 (hg19) VCF-style: chr8-126114592-C-G.
Other names: c.20C>G, p.Ser7Ter (NM_001349485.2, NM_001349486.2, NM_001349487.2); short protein forms S7*.
Identifiers: ClinVar variation 2696459 (VCV002696459.3), dbSNP rs2537449848, ClinGen allele CA372269406.
Genomic context (GRCh38, chr8:125,102,350, plus strand): 5'-CTTGTTTCATTGTGTTTGAAAACTTAGGTACTAATTTCAAGATGCCAGGACGTTCCAGTT[C>G]AAATTCAGGTTCAACTGGTTTCATCTCCTTCAGTGGTGTAGAGTCTGCTCTCTCCTCCTT-3'